The following is an entry in ClinVar:

ClinVar aggregate classification (germline): Uncertain significance (1 of 4 stars; one submission).

Allele frequency attached by ClinVar (database versions not stated): TOPMed 0.00001; ExAC 0.00005; 1000 Genomes Project 30x 0.00016; 1000 Genomes Project 0.00020.
gnomAD v4.1: 10 of 1,524,408 alleles (0.00066%); highest among the groups gnomAD compares: Admixed American, 0.02%; no homozygotes.

Submission:

Labcorp Genetics (formerly Invitae), Labcorp
Classification: Uncertain significance. Last evaluated: 2025-11-29. Review status: criteria provided, single submitter. Criteria: Invitae Variant Classification Sherloc (09022015). Collection method: clinical testing. Allele origin: germline.
Comment: This sequence change replaces glutamic acid, which is acidic and polar, with alanine, which is neutral and non-polar, at codon 1016 of the GREB1L protein (p.Glu1016Ala). This variant is present in population databases (rs184919282, gnomAD 0.04%), and has an allele count higher than expected for a pathogenic variant. This variant has not been reported in the literature in individuals affected with GREB1L-related conditions. ClinVar contains an entry for this variant (Variation ID: 2175829). An algorithm developed to predict the effect of missense changes on protein structure and function (PolyPhen-2) suggests that this variant is likely to be tolerated. In summary, the available evidence is currently insufficient to determine the role of this variant in disease. Therefore, it has been classified as a Variant of Uncertain Significance.

NM_001142966.3(GREB1L):c.3047A>C (p.Glu1016Ala)

Gene: GREB1L (GREB1 like retinoic acid receptor coactivator; plus strand). Cytogenetic location: 18q11.1.
Variant type: single nucleotide variant.
Coding change: c.3047A>C on transcript NM_001142966.3 (MANE Select); coding-DNA position 3047, A replaced by C.
Protein change: p.Glu1016Ala; replaces glutamic acid 1016 with alanine.
Molecular consequence: missense variant.
Genome position (GRCh38, 1-based): chr18:21,495,686, A>C. VCF-style: chr18-21495686-A-C. GRCh37 (hg19) VCF-style: chr18-19075647-A-C.
Other names: c.3176A>C, p.Glu1059Ala (NM_001410867.1); c.2720A>C, p.Glu907Ala (NM_001410868.1); short protein forms E1016A, E907A, E1059A.
Identifiers: ClinVar variation 2175829 (VCV002175829.4), dbSNP rs184919282, ClinGen allele CA8906553.